The following is an entry in ClinVar:

ClinVar aggregate classification (germline): Uncertain significance. Review status: criteria provided, multiple submitters, no conflicts (2 of 4 stars). 2 submissions from 2 submitters: Uncertain significance (2). Last evaluated 2025-10-23.

Conditions:
Arrhythmogenic cardiomyopathy with wooly hair and keratoderma. Also called: Carvajal syndrome; PALMOPLANTAR KERATODERMA WITH LEFT VENTRICULAR CARDIOMYOPATHY AND WOOLLY HAIR; Dilated cardiomyopathy with woolly hair and keratoderma; Arrhythmogenic cardiomyopathy with woolly hair and keratoderma. Identifiers: Orphanet 65282, MedGen C1854063, MONDO:0011581, OMIM 605676.
Arrhythmogenic right ventricular dysplasia 8 (ARVD8). Also called: Arrhythmogenic Right Ventricular Dysplasia/Cardiomyopathy 8; ARRHYTHMOGENIC RIGHT VENTRICULAR DYSPLASIA, FAMILIAL, 8; ARRHYTHMOGENIC RIGHT VENTRICULAR CARDIOMYOPATHY 8. Identifiers: MedGen C1843896, MONDO:0011831, OMIM 607450.

gnomAD v4.1: 2 of 1,614,160 alleles (0.00012%); highest among the groups gnomAD compares: Non-Finnish European, 0.00017%; no homozygotes.

Submissions (2):

Labcorp Genetics (formerly Invitae), Labcorp
Classification: Uncertain significance for Arrhythmogenic cardiomyopathy with wooly hair and keratoderma; Arrhythmogenic right ventricular dysplasia 8. Last evaluated: 2025-10-23. Review status: criteria provided, single submitter. Criteria: Invitae Variant Classification Sherloc (09022015). Collection method: clinical testing. Allele origin: germline.
Comment: This sequence change replaces tyrosine, which is neutral and polar, with serine, which is neutral and polar, at codon 431 of the DSP protein (p.Tyr431Ser). This variant is not present in population databases (gnomAD no frequency). This variant has not been reported in the literature in individuals affected with DSP-related conditions. An algorithm developed to predict the effect of missense changes on protein structure and function (PolyPhen-2) suggests that this variant is likely to be tolerated. In summary, the available evidence is currently insufficient to determine the role of this variant in disease. Therefore, it has been classified as a Variant of Uncertain Significance.

GeneDx
Classification: Uncertain significance. Last evaluated: 2025-04-11. Review status: criteria provided, single submitter. Criteria: GeneDx Variant Classification Process June 2021. Collection method: clinical testing. Allele origin: germline. Affected: yes.
Comment: Not observed at significant frequency in large population cohorts (gnomAD); In silico analysis supports that this missense variant has a deleterious effect on protein structure/function; Has not been previously published as pathogenic or benign to our knowledge

NM_004415.4(DSP):c.1292A>C (p.Tyr431Ser)

Gene: DSP (desmoplakin; plus strand). Cytogenetic location: 6p24.3.
Variant type: single nucleotide variant.
Coding change: c.1292A>C on transcript NM_004415.4 (MANE Select); coding-DNA position 1292, A replaced by C.
Protein change: p.Tyr431Ser; replaces tyrosine 431 with serine.
Molecular consequence: missense variant.
Genome position (GRCh38, 1-based): chr6:7,568,462, A>C. VCF-style: chr6-7568462-A-C. GRCh37 (hg19) VCF-style: chr6-7568695-A-C.
Other names: c.1292A>C, p.Tyr431Ser (NM_001008844.3, NM_001319034.2, NM_001406591.1); short protein forms Y431S.
Identifiers: ClinVar variation 4282100 (VCV004282100.2).